The following is an entry in ClinVar:

NM_020964.3(EPG5):c.7183G>A (p.Val2395Met)

Gene: EPG5 (ectopic P-granules 5 autophagy tethering factor; minus strand). Cytogenetic location: 18q12.3.
Variant type: single nucleotide variant.
Coding change: c.7183G>A on transcript NM_020964.3 (MANE Select); coding-DNA position 7183, G replaced by A.
Protein change: p.Val2395Met; replaces valine 2395 with methionine.
Molecular consequence: missense variant.
Genome position (GRCh38, 1-based): chr18:45,858,609, C>T on the plus strand (G>A on the coding strand, the complement: EPG5 is on the minus strand). VCF-style: chr18-45858609-C-T. GRCh37 (hg19) VCF-style: chr18-43438574-C-T.
Other names: c.7183G>A, p.Val2395Met (NM_001410858.1); c.7180G>A, p.Val2394Met (NM_001410859.1); short protein forms V2394M, V2395M.
Identifiers: ClinVar variation 1921828 (VCV001921828.6), dbSNP rs753475634, ClinGen allele CA8948063.

ClinVar aggregate classification (germline): Uncertain significance. Review status: criteria provided, multiple submitters, no conflicts (2 of 4 stars). 2 submissions from 2 submitters: Uncertain significance (2). Last evaluated 2022-12-13.

Conditions:
Inborn genetic diseases. Identifiers: MedGen C0950123, MeSH D030342.
Vici syndrome (VICIS). Identifiers: Orphanet 1493, MedGen C1855772, MONDO:0009452, OMIM 242840.

Allele frequency attached by ClinVar (database versions not stated): gnomAD exomes below 0.00001; ExAC 0.00001.
gnomAD v4.1: 1 of 1,614,174 alleles (0.000062%); highest among the groups gnomAD compares: Non-Finnish European, 0.000085%; no homozygotes.

Submissions (2):

Ambry Genetics
Classification: Uncertain significance for Inborn genetic diseases. Last evaluated: 2022-12-13. Review status: criteria provided, single submitter. Criteria: Ambry Variant Classification Scheme 2023. Collection method: clinical testing. Allele origin: germline.

Labcorp Genetics (formerly Invitae), Labcorp
Classification: Uncertain significance for Vici syndrome. Last evaluated: 2022-02-11. Review status: criteria provided, single submitter. Criteria: Invitae Variant Classification Sherloc (09022015). Collection method: clinical testing. Allele origin: germline.
Comment: Algorithms developed to predict the effect of missense changes on protein structure and function output the following: SIFT: "Tolerated"; PolyPhen-2: "Benign"; Align-GVGD: "Class C0". The methionine amino acid residue is found in multiple mammalian species, which suggests that this missense change does not adversely affect protein function. In summary, the available evidence is currently insufficient to determine the role of this variant in disease. Therefore, it has been classified as a Variant of Uncertain Significance. This variant has not been reported in the literature in individuals affected with EPG5-related conditions. This variant is present in population databases (rs753475634, gnomAD 0.0009%). This sequence change replaces valine, which is neutral and non-polar, with methionine, which is neutral and non-polar, at codon 2395 of the EPG5 protein (p.Val2395Met).